The following is an entry in ClinVar:

NM_199355.4(ADAMTS18):c.109C>T (p.Leu37Phe)

Gene: ADAMTS18 (ADAM metallopeptidase with thrombospondin type 1 motif 18; minus strand). Cytogenetic location: 16q23.1.
Variant type: single nucleotide variant.
Coding change: c.109C>T on transcript NM_199355.4 (MANE Select); coding-DNA position 109, C replaced by T.
Protein change: p.Leu37Phe; replaces leucine 37 with phenylalanine.
Molecular consequence: missense variant. On other transcripts: 5 prime UTR variant (1).
Genome position (GRCh38, 1-based): chr16:77,434,487, G>A on the plus strand (C>T on the coding strand, the complement: ADAMTS18 is on the minus strand). VCF-style: chr16-77434487-G-A. GRCh37 (hg19) VCF-style: chr16-77468384-G-A.
Other names: c.-412C>T (NM_001326358.2); short protein forms L37F.
Identifiers: ClinVar variation 1476509 (VCV001476509.5), dbSNP rs781752456, ClinGen allele CA8181789.

ClinVar aggregate classification (germline): Uncertain significance (1 of 4 stars; one submission).

Allele frequency attached by ClinVar (database versions not stated): gnomAD exomes 0.00001; TOPMed 0.00001; ExAC 0.00004.
gnomAD v4.1: 10 of 1,567,240 alleles (0.00064%); highest among the groups gnomAD compares: South Asian, 0.0081%; no homozygotes.

Submission:

Labcorp Genetics (formerly Invitae), Labcorp
Classification: Uncertain significance. Last evaluated: 2022-02-04. Review status: criteria provided, single submitter. Criteria: Invitae Variant Classification Sherloc (09022015). Collection method: clinical testing. Allele origin: germline.
Comment: This sequence change replaces leucine, which is neutral and non-polar, with phenylalanine, which is neutral and non-polar, at codon 37 of the ADAMTS18 protein (p.Leu37Phe). The frequency data for this variant in the population databases is considered unreliable, as metrics indicate poor data quality at this position in the gnomAD database. This variant has not been reported in the literature in individuals affected with ADAMTS18-related conditions. Algorithms developed to predict the effect of missense changes on protein structure and function are either unavailable or do not agree on the potential impact of this missense change (SIFT: "Not Available"; PolyPhen-2: "Benign"; Align-GVGD: "Not Available"). In summary, the available evidence is currently insufficient to determine the role of this variant in disease. Therefore, it has been classified as a Variant of Uncertain Significance.